The following is an entry in ClinVar:

NM_032634.4(PIGO):c.1298G>A (p.Arg433Gln)

Gene: PIGO (phosphatidylinositol glycan anchor biosynthesis class O; minus strand). Cytogenetic location: 9p13.3.
Variant type: single nucleotide variant.
Coding change: c.1298G>A on transcript NM_032634.4 (MANE Select); coding-DNA position 1298, G replaced by A.
Protein change: p.Arg433Gln; replaces arginine 433 with glutamine.
Molecular consequence: missense variant.
Genome position (GRCh38, 1-based): chr9:35,092,589, C>T on the plus strand (G>A on the coding strand, the complement: PIGO is on the minus strand). VCF-style: chr9-35092589-C-T. GRCh37 (hg19) VCF-style: chr9-35092586-C-T.
Other names: c.1298G>A, p.Arg433Gln (NM_001201484.2, NM_152850.4); short protein forms R433Q.
Identifiers: ClinVar variation 941427 (VCV000941427.6), dbSNP rs201911029, ClinGen allele CA5040667.

ClinVar aggregate classification (germline): Uncertain significance. Review status: criteria provided, multiple submitters, no conflicts (2 of 4 stars). 2 submissions from 2 submitters: Uncertain significance (2). Last evaluated 2025-07-12.

Conditions:
Inborn genetic diseases. Identifiers: MedGen C0950123, MeSH D030342.
Hyperphosphatasia with impaired intellectual development syndrome 2. Also called: Hyperphosphatasia with intellectual disability syndrome 2; GLYCOSYLPHOSPHATIDYLINOSITOL BIOSYNTHESIS DEFECT 6. Identifiers: Orphanet 247262, MedGen C3553637, MONDO:0013882, OMIM 614749.

Allele frequency attached by ClinVar (database versions not stated): gnomAD 0.00005 and 0.00004; ESP Exome Variant Server 0.00008; ExAC 0.00001; TOPMed 0.00002.
gnomAD v4.1: 18 of 1,614,254 alleles (0.0011%); highest among the groups gnomAD compares: East Asian, 0.0067%; no homozygotes.

Submissions (2):

Ambry Genetics
Classification: Uncertain significance for Inborn genetic diseases. Last evaluated: 2025-07-12. Review status: criteria provided, single submitter. Criteria: Ambry Variant Classification Scheme 2023. Collection method: clinical testing. Allele origin: germline.

Labcorp Genetics (formerly Invitae), Labcorp
Classification: Uncertain significance for Hyperphosphatasia with impaired intellectual development syndrome 2. Last evaluated: 2023-12-21. Review status: criteria provided, single submitter. Criteria: Invitae Variant Classification Sherloc (09022015). Collection method: clinical testing. Allele origin: germline.
Comment: This sequence change replaces arginine, which is basic and polar, with glutamine, which is neutral and polar, at codon 433 of the PIGO protein (p.Arg433Gln). This variant is present in population databases (rs201911029, gnomAD 0.008%). This variant has not been reported in the literature in individuals affected with PIGO-related conditions. ClinVar contains an entry for this variant (Variation ID: 941427). Advanced modeling of protein sequence and biophysical properties (such as structural, functional, and spatial information, amino acid conservation, physicochemical variation, residue mobility, and thermodynamic stability) performed at Invitae indicates that this missense variant is not expected to disrupt PIGO protein function with a negative predictive value of 80%. In summary, the available evidence is currently insufficient to determine the role of this variant in disease. Therefore, it has been classified as a Variant of Uncertain Significance.